The following is an entry in ClinVar:

ClinVar aggregate classification (germline): Benign. Review status: criteria provided, multiple submitters, no conflicts (2 of 4 stars). 12 submissions from 11 submitters: Benign (10). 2 of the submissions do not count toward it. Last evaluated 2026-02-04.

Conditions:
Alport syndrome. Also called: Hemorrhagic familial nephritis; Hemorrhagic hereditary nephritis; Congenital hereditary hematuria. Identifiers: Orphanet 63, MedGen C1567741, MONDO:0018965.
Autosomal dominant Alport syndrome (ATS3A). Also called: Alport syndrome dominant type; Renal failure and sensorineural hearing loss; ALPORT SYNDROME 3A, AUTOSOMAL DOMINANT. Identifiers: Orphanet 63, Orphanet 88918, MedGen C5882663, MONDO:0007086, OMIM 104200.
Autosomal recessive Alport syndrome (ATS2). Also called: ALPORT SYNDROME 2, AUTOSOMAL RECESSIVE; Alport syndrome type 2; COL4A4 Alport Syndrome and Thin Basement Membrane Nephropathy; COL4A3-Related Nephropathy. Identifiers: Orphanet 63, Orphanet 88919, MedGen C4746745, MONDO:0008762, OMIM 203780.

Allele frequency attached by ClinVar (database versions not stated): ESP Exome Variant Server 0.28480; gnomAD 0.29027 and 0.29327; TOPMed 0.29644; 1000 Genomes Project 30x 0.30372; 1000 Genomes Project 0.30511; ExAC 0.30777; gnomAD exomes 0.30954.
gnomAD v4.1: 458,833 of 1,560,592 alleles (29%); highest among the groups gnomAD compares: East Asian, 41%; 68,835 homozygotes.

Submissions (12):

Labcorp Genetics (formerly Invitae), Labcorp
Classification: Benign. Last evaluated: 2026-02-04. Review status: criteria provided, single submitter. Criteria: Invitae Variant Classification Sherloc (09022015). Collection method: clinical testing. Allele origin: germline.

Blueprint Genetics
Classification: Benign. Last evaluated: 2024-11-26. Review status: criteria provided, single submitter. Criteria: ACMG Guidelines, 2015. Collection method: clinical testing. Allele origin: germline.

Unidad de Genómica Garrahan, Hospital de Pediatría Garrahan
Classification: Benign. Last evaluated: 2024-07-15. Review status: criteria provided, single submitter. Criteria: ACMG Guidelines, 2015. Collection method: clinical testing. Allele origin: germline. Affected: no. Observed: 42 variant alleles.
Comment: This variant is classified as Benign based on local population frequency. This variant was detected in 45% of patients studied in a panel designed for Epileptic and Developmental Encephalopathy and Progressive Myoclonus Epilepsy. Number of patients: 42. Only high quality variants are reported.

Genome-Nilou Lab
Classification: Benign for Autosomal dominant Alport syndrome. Last evaluated: 2021-07-30. Review status: criteria provided, single submitter. Criteria: ACMG Guidelines, 2015. Collection method: clinical testing. Allele origin: germline. Affected: no.

Genome-Nilou Lab
Classification: Benign for Autosomal recessive Alport syndrome. Last evaluated: 2021-06-10. Review status: criteria provided, single submitter. Criteria: ACMG Guidelines, 2015. Collection method: clinical testing. Allele origin: germline. Affected: no.

GeneDx
Classification: Benign. Last evaluated: 2018-06-29. Review status: criteria provided, single submitter. Criteria: GeneDx Variant Classification Process June 2021. Collection method: clinical testing. Allele origin: germline. Affected: yes.

Illumina Laboratory Services, Illumina
Classification: Benign for Alport syndrome. Last evaluated: 2018-01-12. Review status: criteria provided, single submitter. Criteria: ICSL Variant Classification Criteria 13 December 2019. Collection method: clinical testing. Allele origin: germline.
Comment: This variant was observed in the ICSL laboratory as part of a predisposition screen in an ostensibly healthy population. It had not been previously curated by ICSL or reported in the Human Gene Mutation Database (HGMD: prior to June 1st, 2018), and was therefore a candidate for classification through an automated scoring system. Utilizing variant allele frequency, disease prevalence and penetrance estimates, and inheritance mode, an automated score was calculated to assess if this variant is too frequent to cause the disease. Based on the score and internal cut-off values, a variant classified as benign is not then subjected to further curation. The score for this variant resulted in a classification of benign for this disease.

Laboratory for Molecular Medicine, Mass General Brigham Personalized Medicine
Classification: Benign. Last evaluated: 2016-03-21. Review status: criteria provided, single submitter. Criteria: LMM Criteria. Collection method: clinical testing. Allele origin: germline. Observed: 39 variant alleles.
Comment: c.144+12C>A in intron 2 of COL4A3: This variant is not expected to have clinical significance because it is not located within the splice consensus sequence and has been identified in 45.37% (3907/8612) of East Asian chromosomes by the Exom e Aggregation Consortium (ExAC; dbSNP rs1882435) .

Breakthrough Genomics
Classification: Benign. Review status: criteria provided, single submitter. Criteria: ACMG Guidelines, 2015. Collection method: not provided. Allele origin: germline. Inheritance: Autosomal recessive inheritance. Affected: yes.

PreventionGenetics, part of Exact Sciences
Classification: Benign. Review status: criteria provided, single submitter. Criteria: ACMG Guidelines, 2015. Collection method: clinical testing. Allele origin: germline.

Diagnostic Laboratory, Department of Genetics, University Medical Center Groningen
Classification: Benign. Review status: no assertion criteria provided. Collection method: clinical testing. Allele origin: germline. Affected: yes. Study: VKGL Data-share Consensus. Not counted in ClinVar's aggregate classification.

Joint Genome Diagnostic Labs from Nijmegen and Maastricht, Radboudumc and MUMC+
Classification: Benign. Review status: no assertion criteria provided. Collection method: clinical testing. Allele origin: germline. Affected: yes. Study: VKGL Data-share Consensus. Not counted in ClinVar's aggregate classification.

NM_000091.5(COL4A3):c.144+12C>A

Genes: COL4A3 (collagen type IV alpha 3 chain; plus strand), MFF-DT (MFF divergent transcript; minus strand). Cytogenetic location: 2q36.3.
Variant type: single nucleotide variant.
Coding change: c.144+12C>A on transcript NM_000091.5 (MANE Select); 12 bases into the intron after coding-DNA position 144, C replaced by A.
Molecular consequence: intron variant.
Genome position (GRCh38, 1-based): chr2:227,238,036, C>A. VCF-style: chr2-227238036-C-A. GRCh37 (hg19) VCF-style: chr2-228102752-C-A.
Identifiers: ClinVar variation 254981 (VCV000254981.30), dbSNP rs1882435, ClinGen allele CA2145918.